The following is an entry in ClinVar:

ClinVar aggregate classification (germline): Pathogenic. Review status: criteria provided, multiple submitters, no conflicts (2 of 4 stars). 2 submissions from 2 submitters: Pathogenic (2). Last evaluated 2024-05-11.

Conditions:
Hereditary cancer-predisposing syndrome. Also called: Hereditary Cancer Syndrome; Neoplastic Syndromes, Hereditary; Tumor predisposition; Hereditary neoplastic syndrome. Identifiers: Orphanet 140162, MedGen C0027672, MeSH D009386, MONDO:0015356.
Ataxia-telangiectasia syndrome (AT). Also called: Ataxia-telangiectasia, complementation group D; AT, COMPLEMENTATION GROUP C; ATAXIA-TELANGIECTASIA, COMPLEMENTATION GROUP A; ATAXIA-TELANGIECTASIA, FRESNO VARIANT; Ataxia-telangiectasia; LOUIS-BAR SYNDROME. Identifiers: Orphanet 100, MedGen C0004135, MONDO:0008840, OMIM 208900.

gnomAD v4.1: 1 of 1,614,084 alleles (0.000062%); highest among the groups gnomAD compares: Non-Finnish European, 0.000085%; no homozygotes.

Submissions (2):

Labcorp Genetics (formerly Invitae), Labcorp
Classification: Pathogenic for Ataxia-telangiectasia syndrome. Last evaluated: 2024-05-11. Review status: criteria provided, single submitter. Criteria: Invitae Variant Classification Sherloc (09022015). Collection method: clinical testing. Allele origin: germline.
Comment: This sequence change creates a premature translational stop signal (p.Ser475*) in the ATM gene. It is expected to result in an absent or disrupted protein product. Loss-of-function variants in ATM are known to be pathogenic (PMID: 23807571, 25614872). This variant is not present in population databases (gnomAD no frequency). This variant has not been reported in the literature in individuals affected with ATM-related conditions. ClinVar contains an entry for this variant (Variation ID: 187204). For these reasons, this variant has been classified as Pathogenic.

Ambry Genetics
Classification: Pathogenic for Hereditary cancer-predisposing syndrome. Last evaluated: 2014-11-20. Review status: criteria provided, single submitter. Criteria: Ambry Variant Classification Scheme 2023. Collection method: clinical testing. Allele origin: germline.
Comment: The p.S475* pathogenic mutation (also known as c.1424C>G), located in coding exon 9 of the ATM gene, results from a C to G substitution at nucleotide position 1424. This changes the amino acid from a serine to a stop codon within coding exon 9. Since premature stop codons are typically deleterious in nature, this alteration is interpreted as a disease-causing mutation (ACMG Recommendations for Standards for Interpretation and Reporting of Sequence Variations. Revision 2007. Genet Med. 2008;10:294).

Literature cited by the submitters: PubMed 23807571 (cited by Labcorp Genetics (formerly Invitae), Labcorp); PubMed 25614872 (cited by Labcorp Genetics (formerly Invitae), Labcorp).

NM_000051.4(ATM):c.1424C>G (p.Ser475Ter)

Gene: ATM (ATM serine/threonine kinase; plus strand). Cytogenetic location: 11q22.3.
Variant type: single nucleotide variant.
Coding change: c.1424C>G on transcript NM_000051.4 (MANE Select); coding-DNA position 1424, C replaced by G.
Protein change: p.Ser475Ter; replaces serine 475 with a stop codon.
Molecular consequence: nonsense.
Genome position (GRCh38, 1-based): chr11:108,250,889, C>G. VCF-style: chr11-108250889-C-G. GRCh37 (hg19) VCF-style: chr11-108121616-C-G.
Other names: c.1424C>G, p.Ser475Ter (NM_001351834.2); short protein forms S475*.
Identifiers: ClinVar variation 187204 (VCV000187204.7), dbSNP rs786203550, ClinGen allele CA197002.